The following is an entry in ClinVar:

NM_000391.4(TPP1):c.90-2A>T

Gene: TPP1 (tripeptidyl peptidase 1; minus strand). Cytogenetic location: 11p15.4.
Variant type: single nucleotide variant.
Coding change: c.90-2A>T on transcript NM_000391.4 (MANE Select); the canonical splice acceptor site of the intron before coding-DNA position 90, A replaced by T.
Molecular consequence: splice acceptor variant.
Genome position (GRCh38, 1-based): chr11:6,618,917, T>A on the plus strand (A>T on the coding strand, the complement: TPP1 is on the minus strand). VCF-style: chr11-6618917-T-A. GRCh37 (hg19) VCF-style: chr11-6640148-T-A.
Identifiers: ClinVar variation 954672 (VCV000954672.8), dbSNP rs1855627953, ClinGen allele CA379476917.
Genomic context (GRCh38, chr11:6,618,917, plus strand): 5'-TGAGACTCAGCTCTTCCTCAGGGTCCGCACGGCCCAGGGACACCCAGCCTGGGGGCAGCC[T>A]GTAGGGTCAGGGGTCAGGGACATGGCTTTGGTTAGGGTGGAGATGGAAAATATTGGTCAT-3'

ClinVar aggregate classification (germline): Likely pathogenic (1 of 4 stars; one submission).

Submission:

Labcorp Genetics (formerly Invitae), Labcorp
Classification: Likely pathogenic. Last evaluated: 2019-11-13. Review status: criteria provided, single submitter. Criteria: Invitae Variant Classification Sherloc (09022015). Collection method: clinical testing. Allele origin: germline.
Comment: In summary, the currently available evidence indicates that the variant is pathogenic, but additional data are needed to prove that conclusively. Therefore, this variant has been classified as Likely Pathogenic. Donor and acceptor splice site variants typically lead to a loss of protein function (PMID: 16199547), and loss-of-function variants in TPP1 are known to be pathogenic (PMID: 10330339). Algorithms developed to predict the effect of sequence changes on RNA splicing suggest that this variant may disrupt the consensus splice site, but this prediction has not been confirmed by published transcriptional studies. This variant has not been reported in the literature in individuals with TPP1-related conditions. This variant is not present in population databases (ExAC no frequency). This sequence change affects an acceptor splice site in intron 2 of the TPP1 gene. It is expected to disrupt RNA splicing and likely results in an absent or disrupted protein product.

Literature cited by the submitters: PubMed 16199547; PubMed 10330339.